The following is an entry in ClinVar:

NM_000885.6(ITGA4):c.3004-11_3004-3dup

Gene: ITGA4 (integrin subunit alpha 4; plus strand). Cytogenetic location: 2q31.3.
Variant type: Duplication.
Coding change: c.3004-11_3004-3dup on transcript NM_000885.6 (MANE Select); 11 bases into the intron before coding-DNA position 3004 through 3 bases into the intron before coding-DNA position 3004, 9 bases duplicated (GCTATTTTC; older notation c.3004-11_3004-3dupGCTATTTTC).
Molecular consequence: intron variant.
Genome position (GRCh38, 1-based): chr2:181,535,421-181,535,429, GCTATTTTC duplicated. VCF-style (leftmost placement, unchanged base first): chr2-181535420-T-TGCTATTTTC. GRCh37 (hg19) VCF-style: chr2-182400147-T-TGCTATTTTC.
Identifiers: ClinVar variation 3030704 (VCV003030704.2), dbSNP rs2468596980, ClinGen allele CA2740096344.
Genomic context (GRCh38, chr2:181,535,420, plus strand): 5'-ATTAGAAATGAGTATAGTAGATAAGAGAGTGTTCATAACTATACACTAGTGATTATGTTA[T>TGCTATTTTC]GCTATTTTCAGGCTGGCTTCTTTAAAAGACAATACAAATCTATCCTACAAGAAGAAAACA-3'

ClinVar aggregate classification (germline): Likely benign (0 of 4 stars; one submission).

Conditions:
ITGA4-related disorder. Also called: ITGA4-related condition.

Submission:

PreventionGenetics, part of Exact Sciences
Classification: Likely benign for ITGA4-related condition. Last evaluated: 2020-12-07. Review status: no assertion criteria provided. Collection method: clinical testing. Allele origin: germline.
Comment: This variant is classified as likely benign based on ACMG/AMP sequence variant interpretation guidelines (Richards et al. 2015 PMID: 25741868, with internal and published modifications).